The following is an entry in ClinVar:

NM_000465.4(BARD1):c.133G>A (p.Glu45Lys)

Gene: BARD1 (BRCA1 associated RING domain 1; minus strand). Cytogenetic location: 2q35.
Variant type: single nucleotide variant.
Coding change: c.133G>A on transcript NM_000465.4 (MANE Select); coding-DNA position 133, G replaced by A.
Protein change: p.Glu45Lys; replaces glutamic acid 45 with lysine.
Molecular consequence: missense variant. On other transcripts: non-coding transcript variant (3).
Genome position (GRCh38, 1-based): chr2:214,809,437, C>T on the plus strand (G>A on the coding strand, the complement: BARD1 is on the minus strand). VCF-style: chr2-214809437-C-T. GRCh37 (hg19) VCF-style: chr2-215674161-C-T.
Other names: c.133G>A, p.Glu45Lys (NM_001282543.2, NM_001282545.2, NM_001282548.2 and 1 more transcripts); short protein forms E45K.
Identifiers: ClinVar variation 530165 (VCV000530165.23), dbSNP rs1553628365, ClinGen allele CA350464876.

ClinVar aggregate classification (germline): Uncertain significance. Review status: criteria provided, multiple submitters, no conflicts (2 of 4 stars). 6 submissions from 6 submitters: Uncertain significance (6). Last evaluated 2024-10-13.

Conditions:
Hereditary cancer-predisposing syndrome. Also called: Hereditary neoplastic syndrome; Neoplastic Syndromes, Hereditary; Hereditary Cancer Syndrome; Tumor predisposition. Identifiers: Orphanet 140162, MedGen C0027672, MeSH D009386, MONDO:0015356.
Familial cancer of breast. Also called: BREAST CANCER, FAMILIAL; Hereditary breast cancer; hereditary breast carcinoma. Identifiers: Orphanet 227535, MedGen C0346153, MONDO:0016419, OMIM 114480. Disease mechanism: loss of function.

gnomAD v4.1: 1 of 1,612,242 alleles (0.000062%); highest among the groups gnomAD compares: Non-Finnish European, 0.000085%; no homozygotes.

Submissions (6):

Labcorp Genetics (formerly Invitae), Labcorp
Classification: Uncertain significance for Familial cancer of breast. Last evaluated: 2024-10-13. Review status: criteria provided, single submitter. Criteria: Invitae Variant Classification Sherloc (09022015). Collection method: clinical testing. Allele origin: germline.
Comment: This sequence change replaces glutamic acid, which is acidic and polar, with lysine, which is basic and polar, at codon 45 of the BARD1 protein (p.Glu45Lys). This variant is not present in population databases (gnomAD no frequency). This variant has not been reported in the literature in individuals affected with BARD1-related conditions. ClinVar contains an entry for this variant (Variation ID: 530165). An algorithm developed to predict the effect of missense changes on protein structure and function (PolyPhen-2) suggests that this variant is likely to be disruptive. In summary, the available evidence is currently insufficient to determine the role of this variant in disease. Therefore, it has been classified as a Variant of Uncertain Significance.

Color Diagnostics, LLC DBA Color Health
Classification: Uncertain significance for Hereditary cancer-predisposing syndrome. Last evaluated: 2024-07-30. Review status: criteria provided, single submitter. Criteria: ACMG Guidelines, 2015. Collection method: clinical testing. Allele origin: germline.
Comment: This missense variant replaces glutamic acid with lysine at codon 45 of the BARD1 protein. Computational prediction suggests that this variant may not impact protein structure and function. To our knowledge, functional studies have not been performed for this variant. This variant has not been reported in individuals affected with hereditary cancer in the literature. This variant has not been identified in the general population by the Genome Aggregation Database (gnomAD). The available evidence is insufficient to determine the role of this variant in disease conclusively. Therefore, this variant is classified as a Variant of Uncertain Significance.

Baylor Genetics
Classification: Uncertain significance for Familial cancer of breast. Last evaluated: 2023-12-15. Review status: criteria provided, single submitter. Criteria: ACMG Guidelines, 2015. Collection method: clinical testing. Allele origin: unknown.

Ambry Genetics
Classification: Uncertain significance for Hereditary cancer-predisposing syndrome. Last evaluated: 2022-03-03. Review status: criteria provided, single submitter. Criteria: Ambry Variant Classification Scheme 2023. Collection method: clinical testing. Allele origin: germline.
Comment: The p.E45K variant (also known as c.133G>A), located in coding exon 1 of the BARD1 gene, results from a G to A substitution at nucleotide position 133. The glutamic acid at codon 45 is replaced by lysine, an amino acid with similar properties. This amino acid position is highly conserved in available vertebrate species. In addition, the in silico prediction for this alteration is inconclusive. Since supporting evidence is limited at this time, the clinical significance of this alteration remains unclear.

Women's Health and Genetics/Laboratory Corporation of America, LabCorp
Classification: Uncertain significance. Last evaluated: 2020-10-22. Review status: criteria provided, single submitter. Criteria: LabCorp Variant Classification Summary - May 2015. Collection method: clinical testing. Allele origin: germline.
Comment: Variant summary: BARD1 c.133G>A (p.Glu45Lys) results in a conservative amino acid change located in the BARD1, Zinc finger, RING-type domain (IPR039503) of the encoded protein sequence. Three of five in-silico tools predict a damaging effect of the variant on protein function. The variant was absent in 241684 control chromosomes. The available data on variant occurrences in the general population are insufficient to allow any conclusion about variant significance. To our knowledge, no occurrence of c.133G>A in individuals affected with Hereditary Breast And Ovarian Cancer Syndrome and no experimental evidence demonstrating its impact on protein function have been reported. Four clinical diagnostic laboratories have submitted clinical-significance assessments for this variant to ClinVar after 2014 without evidence for independent evaluation. All laboratories classified the variant as uncertain significance. Based on the evidence outlined above, the variant was classified as uncertain significance.

Quest Diagnostics Nichols Institute San Juan Capistrano
Classification: Uncertain significance. Last evaluated: 2018-02-19. Review status: criteria provided, single submitter. Criteria: Quest Diagnostics criteria. Collection method: clinical testing. Allele origin: germline.